The following is an entry in ClinVar:

NM_001329943.3(KIAA0586):c.2743G>A (p.Ala915Thr)

Gene: KIAA0586 (KIAA0586; plus strand). Cytogenetic location: 14q23.1.
Variant type: single nucleotide variant.
Coding change: c.2743G>A on transcript NM_001329943.3 (MANE Select); coding-DNA position 2743, G replaced by A.
Protein change: p.Ala915Thr; replaces alanine 915 with threonine.
Molecular consequence: missense variant.
Genome position (GRCh38, 1-based): chr14:58,474,715, G>A. VCF-style: chr14-58474715-G-A. GRCh37 (hg19) VCF-style: chr14-58941433-G-A.
Other names: c.2902G>A, p.Ala968Thr (NM_001244189.2); c.2698G>A, p.Ala900Thr (NM_001244190.2); c.2488G>A, p.Ala830Thr (NM_001244191.2, NM_001329945.2, NM_001364700.1 and 1 more transcripts); c.2611G>A, p.Ala871Thr (NM_001244192.2); c.2323G>A, p.Ala775Thr (NM_001244193.2); c.2743G>A, p.Ala915Thr (NM_001329944.2, NM_001329946.2, NM_001329947.2); c.2515G>A, p.Ala839Thr (NM_014749.5); c.2902G>A (NM_001244189.1); short protein forms A839T, A871T, A900T, A968T, A830T, A775T, A915T.
Identifiers: ClinVar variation 1434399 (VCV001434399.8), dbSNP rs757075176, ClinGen allele CA7205966.

ClinVar aggregate classification (germline): Uncertain significance. Review status: criteria provided, single submitter (1 of 4 stars). 2 submissions from 2 submitters: Uncertain significance (1). 1 of the submissions does not count toward it. Last evaluated 2022-08-16.

Conditions:
KIAA0586-related disorder. Also called: KIAA0586- Related disorders; KIAA0586-related condition.
Short-rib thoracic dysplasia 14 with polydactyly (SRTD14). Identifiers: Orphanet 397715, MedGen C4225286, MONDO:0014688, OMIM 616546.
Joubert syndrome 23 (JBTS23). Identifiers: Orphanet 475, MedGen C4084822, MONDO:0014664, OMIM 616490.

Allele frequency attached by ClinVar (database versions not stated): gnomAD exomes 0.00001 and 0.00002; ExAC 0.00002; gnomAD 0.00002; TOPMed 0.00002.
gnomAD v4.1: 21 of 1,613,342 alleles (0.0013%); highest among the groups gnomAD compares: African/African-American, 0.0013%; no homozygotes.

Submissions (2):

Labcorp Genetics (formerly Invitae), Labcorp
Classification: Uncertain significance for Joubert syndrome 23; Short-rib thoracic dysplasia 14 with polydactyly. Last evaluated: 2022-08-16. Review status: criteria provided, single submitter. Criteria: Invitae Variant Classification Sherloc (09022015). Collection method: clinical testing. Allele origin: germline.
Comment: In summary, the available evidence is currently insufficient to determine the role of this variant in disease. Therefore, it has been classified as a Variant of Uncertain Significance. This sequence change replaces alanine, which is neutral and non-polar, with threonine, which is neutral and polar, at codon 968 of the KIAA0586 protein (p.Ala968Thr). This variant is present in population databases (rs757075176, gnomAD 0.05%). This variant has not been reported in the literature in individuals affected with KIAA0586-related conditions. ClinVar contains an entry for this variant (Variation ID: 1434399). Algorithms developed to predict the effect of missense changes on protein structure and function output the following: SIFT: "Tolerated"; PolyPhen-2: "Possibly Damaging"; Align-GVGD: "Class C0". The threonine amino acid residue is found in multiple mammalian species, which suggests that this missense change does not adversely affect protein function.

PreventionGenetics, part of Exact Sciences
Classification: Uncertain significance for KIAA0586-related condition. Last evaluated: 2024-09-03. Review status: no assertion criteria provided. Collection method: clinical testing. Allele origin: germline. Not counted in ClinVar's aggregate classification.
Comment: The KIAA0586 c.2902G>A variant is predicted to result in the amino acid substitution p.Ala968Thr. To our knowledge, this variant has not been reported in the literature. This variant is reported in 0.050% of alleles in individuals of Ashkenazi Jewish descent in gnomAD. At this time, the clinical significance of this variant is uncertain due to the absence of conclusive functional and genetic evidence.